The following is an entry in ClinVar:

ClinVar aggregate classification (germline): Uncertain significance. Review status: criteria provided, single submitter (1 of 4 stars). 2 submissions from 2 submitters: Uncertain significance (1). 1 of the submissions does not count toward it. Last evaluated 2022-08-09.

Conditions:
Enhanced S-cone syndrome (ESCS). Identifiers: Orphanet 53540, MedGen C1849394, MONDO:0100288, MONDO:0009989.

Allele frequency attached by ClinVar (database versions not stated): gnomAD exomes below 0.00001 and 0.00001; TOPMed 0.00003; gnomAD 0.00004.
gnomAD v4.1: 11 of 1,551,624 alleles (0.00071%); highest among the groups gnomAD compares: African/African-American, 0.011%; no homozygotes.

Submissions (2):

Labcorp Genetics (formerly Invitae), Labcorp
Classification: Uncertain significance. Last evaluated: 2022-08-09. Review status: criteria provided, single submitter. Criteria: Invitae Variant Classification Sherloc (09022015). Collection method: clinical testing. Allele origin: germline.
Comment: In summary, the available evidence is currently insufficient to determine the role of this variant in disease. Therefore, it has been classified as a Variant of Uncertain Significance. Variants that disrupt the consensus splice site are a relatively common cause of aberrant splicing (PMID: 17576681, 9536098). Algorithms developed to predict the effect of sequence changes on RNA splicing suggest that this variant may disrupt the consensus splice site. ClinVar contains an entry for this variant (Variation ID: 841524). This variant has not been reported in the literature in individuals affected with NR2E3-related conditions. The frequency data for this variant in the population databases is considered unreliable, as metrics indicate poor data quality at this position in the gnomAD database. This sequence change falls in intron 1 of the NR2E3 gene. It does not directly change the encoded amino acid sequence of the NR2E3 protein. It affects a nucleotide within the consensus splice site.

Natera, Inc.
Classification: Uncertain significance for Enhanced S cone syndrome. Last evaluated: 2021-08-03. Review status: no assertion criteria provided. Collection method: clinical testing. Allele origin: germline. Not counted in ClinVar's aggregate classification.

Literature cited by the submitters: PubMed 17576681 (cited by Labcorp Genetics (formerly Invitae), Labcorp); PubMed 9536098 (cited by Labcorp Genetics (formerly Invitae), Labcorp).

NM_014249.4(NR2E3):c.118+3A>G

Gene: NR2E3 (nuclear receptor subfamily 2 group E member 3; plus strand). Cytogenetic location: 15q23.
Variant type: single nucleotide variant.
Coding change: c.118+3A>G on transcript NM_014249.4 (MANE Select); 3 bases into the intron after coding-DNA position 118, A replaced by G.
Molecular consequence: intron variant.
Genome position (GRCh38, 1-based): chr15:71,810,864, A>G. VCF-style: chr15-71810864-A-G. GRCh37 (hg19) VCF-style: chr15-72103204-A-G.
Other names: c.118+3A>G (NM_016346.4).
Identifiers: ClinVar variation 841524 (VCV000841524.8), dbSNP rs1243259701, ClinGen allele CA618748897.